The following is an entry in ClinVar:

NM_007294.4(BRCA1):c.3053A>G (p.Asn1018Ser)

Gene: BRCA1 (BRCA1 DNA repair associated; minus strand). Cytogenetic location: 17q21.31.
Variant type: single nucleotide variant.
Coding change: c.3053A>G on transcript NM_007294.4 (MANE Select); coding-DNA position 3053, A replaced by G.
Protein change: p.Asn1018Ser; replaces asparagine 1018 with serine.
Molecular consequence: missense variant. On other transcripts: intron variant (137).
Genome position (GRCh38, 1-based): chr17:43,092,478, T>C on the plus strand (A>G on the coding strand, the complement: BRCA1 is on the minus strand). VCF-style: chr17-43092478-T-C. GRCh37 (hg19) VCF-style: chr17-41244495-T-C.
Other names: c.647-1446A>G (NM_001408455.1, NM_001408466.1, NM_001408452.1 and 11 more transcripts); c.578-1446A>G (NM_001408513.1, NM_001408489.1, NM_001408479.1 and 9 more transcripts); c.521-1446A>G (NM_001408503.1, NM_001408505.1, NM_001408504.1); c.524-1446A>G (NM_001408500.1, NM_001408497.1, NM_001408496.1 and 3 more transcripts); c.788-1446A>G (NM_001407973.1, NM_001408403.1, NM_001407983.1 and 17 more transcripts); c.404-1446A>G (NM_001408511.1); c.461-1446A>G (NM_001408507.1, NM_001408506.1); c.545-1446A>G (NM_001408495.1); and 41 more; short protein forms N1018S, N971S, N1017S, N850S, N907S, N951S, N991S, N1015S.
Identifiers: ClinVar variation 629195 (VCV000629195.8), dbSNP rs1567793093, ClinGen allele CA10595883.
Genomic context (GRCh38, chr17:43,092,478, plus strand): 5'-TCTTTAAAAACATTTTCTCTAATGTTATTACGGCTAATTGTGCTCACTGTACTTGGAATG[T>C]TCTCATTTCCCATTTCTCTTTCAGGTGACATTGAATGTTCCTCAAAGTTTTCCTCTAGCA-3'
Protein context (NP_009225.1, residues 1008-1028): MSPEREMGNE[Asn1018Ser]IPSTVSTISR

ClinVar aggregate classification (germline): Conflicting classifications of pathogenicity. Review status: criteria provided, conflicting classifications (1 of 4 stars). 4 submissions from 4 submitters: Uncertain significance (2); Likely benign (2). Last evaluated 2023-03-23.

Conditions:
Hereditary cancer-predisposing syndrome. Also called: Hereditary neoplastic syndrome; Tumor predisposition; Hereditary Cancer Syndrome; Neoplastic Syndromes, Hereditary. Identifiers: Orphanet 140162, MedGen C0027672, MeSH D009386, MONDO:0015356.
Breast-ovarian cancer, familial, susceptibility to, 1 (BROVCA1). Also called: OVARIAN CANCER, SUSCEPTIBILITY TO; BRCA1 Hereditary Breast and Ovarian Cancer. Identifiers: Orphanet 145, MedGen C2676676, MONDO:0011450, OMIM 604370. Disease mechanism: loss of function.

Submissions (4):

University of Washington Department of Laboratory Medicine, University of Washington
Classification: Likely benign for Hereditary cancer-predisposing syndrome. Last evaluated: 2023-03-23. Review status: criteria provided, single submitter. Criteria: Dines et al. (Genet Med. 2020). Collection method: curation. Allele origin: germline.
Comment: Missense variant in a coldspot region where missense variants are very unlikely to be pathogenic (PMID:31911673).

BRCA1 coldspot (exon 11 using historical exon numbering). Reclassification based on statistical prior probability

Myriad Genetics, Inc.
Classification: Likely benign for Breast-ovarian cancer, familial, susceptibility to, 1. Last evaluated: 2023-03-10. Review status: criteria provided, single submitter. Criteria: Myriad Autosomal Dominant, Autosomal Recessive and X-Linked Classification Criteria (2023). Collection method: clinical testing. Allele origin: unknown.
Comment: This variant is considered likely benign. This variant been observed in trans with a known pathogenic variant in one or more individuals. Compound heterozygosity for pathogenic variants in this gene is generally assumed to result in embryonic lethality.

Women's Health and Genetics/Laboratory Corporation of America, LabCorp
Classification: Uncertain significance. Last evaluated: 2020-10-02. Review status: criteria provided, single submitter. Criteria: LabCorp Variant Classification Summary - May 2015. Collection method: clinical testing. Allele origin: germline.
Comment: Variant summary: BRCA1 c.3053A>G (p.Asn1018Ser) results in a conservative amino acid change in the encoded protein sequence. Four of four in-silico tools predict a benign effect of the variant on protein function. The variant was absent in 273626 control chromosomes. The available data on variant occurrences in the general population are insufficient to allow any conclusion about variant significance. c.3053A>G has been reported in the literature in individuals affected with Hereditary Breast And Ovarian Cancer Syndrome (e.g. Hirotsu_2014, Nakagomi_2018, Momozawa_2018). These reports do not provide unequivocal conclusions about association of the variant with Hereditary Breast And Ovarian Cancer Syndrome. To our knowledge, no experimental evidence demonstrating an impact on protein function has been reported. One clinical diagnostic laboratory has submitted clinical-significance assessments for this variant to ClinVar after 2014 without evidence for independent evaluation, citing the variant as uncertain significance. Based on the evidence outlined above, the variant was classified as uncertain significance.

Color Diagnostics, LLC DBA Color Health
Classification: Uncertain significance for Hereditary cancer-predisposing syndrome. Last evaluated: 2019-04-09. Review status: criteria provided, single submitter. Criteria: ACMG Guidelines, 2015. Collection method: clinical testing. Allele origin: germline.

Literature cited by the submitters: PubMed 25802882 (cited by Women's Health and Genetics/Laboratory Corporation of America, LabCorp); PubMed 29215753 (cited by Women's Health and Genetics/Laboratory Corporation of America, LabCorp); PubMed 30287823 (cited by Women's Health and Genetics/Laboratory Corporation of America, LabCorp).